The following is an entry in ClinVar:

ClinVar aggregate classification (germline): Uncertain significance. Review status: criteria provided, multiple submitters, no conflicts (2 of 4 stars). 3 submissions from 3 submitters: Uncertain significance (3). Last evaluated 2025-05-30.

Conditions:
Hyperkalemic periodic paralysis. Also called: Familial hyperkalemic periodic paralysis; Gamstorp disease. Identifiers: Orphanet 682, MedGen C0238357, MONDO:0008224, OMIM 170500, HP:0007215.

Allele frequency attached by ClinVar (database versions not stated): gnomAD exomes below 0.00001 and 0.00005; gnomAD 0.00002; TOPMed 0.00002.
gnomAD v4.1: 83 of 1,613,972 alleles (0.0051%); highest among the groups gnomAD compares: Non-Finnish European, 0.0066%; no homozygotes.

Submissions (3):

Labcorp Genetics (formerly Invitae), Labcorp
Classification: Uncertain significance for Hyperkalemic periodic paralysis. Last evaluated: 2025-05-30. Review status: criteria provided, single submitter. Criteria: Invitae Variant Classification Sherloc (09022015). Collection method: clinical testing. Allele origin: germline.
Comment: This sequence change replaces aspartic acid, which is acidic and polar, with glycine, which is neutral and non-polar, at codon 736 of the SCN4A protein (p.Asp736Gly). This variant is present in population databases (no rsID available, gnomAD 0.0009%). This variant has not been reported in the literature in individuals affected with SCN4A-related conditions. ClinVar contains an entry for this variant (Variation ID: 945495). Invitae Evidence Modeling of protein sequence and biophysical properties (such as structural, functional, and spatial information, amino acid conservation, physicochemical variation, residue mobility, and thermodynamic stability) indicates that this missense variant is not expected to disrupt SCN4A protein function with a negative predictive value of 95%. In summary, the available evidence is currently insufficient to determine the role of this variant in disease. Therefore, it has been classified as a Variant of Uncertain Significance.

Revvity Omics, Revvity
Classification: Uncertain significance. Last evaluated: 2025-04-01. Review status: criteria provided, single submitter. Criteria: ACMG Guidelines, 2015. Collection method: clinical testing. Allele origin: germline.

Athena Diagnostics
Classification: Uncertain significance. Last evaluated: 2021-12-27. Review status: criteria provided, single submitter. Criteria: Athena Diagnostics Criteria. Collection method: clinical testing. Allele origin: unknown.

NM_000334.4(SCN4A):c.2207A>G (p.Asp736Gly)

Genes: SCN4A (sodium voltage-gated channel alpha subunit 4; minus strand), GH-LCR (growth hormone locus control region; plus strand). Cytogenetic location: 17q23.3.
Variant type: single nucleotide variant.
Coding change: c.2207A>G on transcript NM_000334.4 (MANE Select); coding-DNA position 2207, A replaced by G.
Protein change: p.Asp736Gly; replaces aspartic acid 736 with glycine.
Molecular consequence: missense variant.
Genome position (GRCh38, 1-based): chr17:63,957,331, T>C on the plus strand (A>G on the coding strand, the complement: SCN4A is on the minus strand). VCF-style: chr17-63957331-T-C. GRCh37 (hg19) VCF-style: chr17-62034691-T-C.
Other names: short protein forms D736G.
Identifiers: ClinVar variation 945495 (VCV000945495.12), dbSNP rs1397719163, ClinGen allele CA400630199.